The following is an entry in ClinVar:

NM_000789.4(ACE):c.2149_2150del (p.Ile717fs)

Gene: ACE (angiotensin I converting enzyme; plus strand). Cytogenetic location: 17q23.3.
Variant type: Deletion.
Coding change: c.2149_2150del on transcript NM_000789.4 (MANE Select); coding-DNA positions 2149 to 2150, 2 bases deleted (AT; older notation c.2149_2150delAT).
Protein change: p.Ile717fs; shifts the reading frame from isoleucine 717.
Molecular consequence: frameshift variant.
Genome position (GRCh38, 1-based): chr17:63,486,647-63,486,648, AT deleted; deleting any 2 consecutive bases within chr17:63,486,646-63,486,648 gives the same sequence; the c. name uses the placement nearest the transcript's 3' end. VCF-style (leftmost placement, unchanged base first): chr17-63486645-CTA-C. GRCh37 (hg19) VCF-style: chr17-61564006-CTA-C.
Other names: c.427_428del, p.Ile143fs (NM_001178057.2, NM_152830.3); short protein forms I143fs, I717fs.
Identifiers: ClinVar variation 632285 (VCV000632285.5), dbSNP rs1219522144, ClinGen allele CA627148268.

ClinVar aggregate classification (germline): Pathogenic (1 of 4 stars; one submission).

Submission:

GeneDx
Classification: Pathogenic. Last evaluated: 2021-04-05. Review status: criteria provided, single submitter. Criteria: GeneDx Variant Classification Process June 2021. Collection method: clinical testing. Allele origin: germline. Affected: yes.
Comment: Frameshift variant predicted to result in protein truncation or nonsense mediated decay in a gene for which loss-of-function is a known mechanism of disease; Not observed at a significant frequency in large population cohorts (Lek et al., 2016); This variant is associated with the following publications: (PMID: 22095942)